The following is an entry in ClinVar:

ClinVar aggregate classification (germline): Likely pathogenic (1 of 4 stars; one submission).

Submission:

Dasa
Classification: Likely pathogenic. Last evaluated: 2026-03-16. Review status: criteria provided, single submitter. Criteria: DASA Assertion Criteria. Collection method: clinical testing. Allele origin: germline.
Comment: NM_015559.3(SETBP1):c.2221del (p.Glu741Asnfs*43) is a frameshift variant in SETBP1 predicted to alter the reading frame and introduce a premature termination codon and is predicted to result in an absent or altered protein product. Loss of function is an established disease mechanism for SETBP1 (PMID: 25217958; PMID: 25356899). Also, this variant is rare in population databases. Based on the currently available evidence, this variant is classified as likely pathogenic.

Literature cited by the submitters: PubMed 25217958; PubMed 25356899.

NM_015559.3(SETBP1):c.2221del (p.Glu741fs)

Gene: SETBP1 (SET binding protein 1; plus strand). Cytogenetic location: 18q12.3.
Variant type: Deletion.
Coding change: c.2221del on transcript NM_015559.3 (MANE Select); coding-DNA position 2221, one base deleted (G; older notation c.2221delG).
Protein change: p.Glu741fs; shifts the reading frame from glutamic acid 741.
Molecular consequence: frameshift variant.
Genome position (GRCh38, 1-based): chr18:44,951,561, G deleted. VCF-style (leftmost placement, unchanged base first): chr18-44951560-AG-A. GRCh37 (hg19) VCF-style: chr18-42531525-AG-A.
Other names: c.2221del, p.Glu741fs (NM_001379141.1, NM_001379142.1, NM_001410862.1); short protein forms E741fs.
Identifiers: ClinVar variation 4886512 (VCV004886512.2).